The following is an entry in ClinVar:

ClinVar aggregate classification (germline): Benign (1 of 4 stars; one submission).

Submission:

Women's Health and Genetics/Laboratory Corporation of America, LabCorp
Classification: Benign. Last evaluated: 2025-11-25. Review status: criteria provided, single submitter. Criteria: LabCorp Variant Classification Summary - May 2015. Collection method: clinical testing. Allele origin: germline.
Comment: Variant summary: PSTPIP1 c.-110G>C is located in the untranslated mRNA region upstream of the initiation codon. The variant allele was found at a frequency of 1.3e-05 in 1582242 control chromosomes (gnomAD v4). The observed variant frequency exceeds the estimated maximal expected allele frequency for disease-causing variants in PSTPIP1. To our knowledge, no occurrence of c.-110G>C in individuals affected with PSTPIP1-related conditions and no experimental evidence demonstrating its impact on protein function have been reported. No submitters have cited clinical-significance assessments for this variant to ClinVar. Based on the evidence outlined above, the variant was classified as benign.

NM_003978.5(PSTPIP1):c.-110G>C

Gene: PSTPIP1 (proline-serine-threonine phosphatase interacting protein 1; plus strand). Cytogenetic location: 15q24.3.
Variant type: single nucleotide variant.
Coding change: c.-110G>C on transcript NM_003978.5 (MANE Select); 110 bases upstream of the start codon, G replaced by C.
Molecular consequence: 5 prime UTR variant. On other transcripts: missense variant (1), non-coding transcript variant (1).
Genome position (GRCh38, 1-based): chr15:76,995,464, G>C. VCF-style: chr15-76995464-G-C. GRCh37 (hg19) VCF-style: chr15-77287805-G-C.
Other names: c.-110G>C (NM_001321135.2, NM_001411086.1); c.-356G>C (NM_001321136.2); c.86G>C, p.Gly29Ala (NM_001321137.1); short protein forms G29A.
Identifiers: ClinVar variation 4537210 (VCV004537210.1).